The following is an entry in ClinVar:

NM_031407.7(HUWE1):c.645+1G>A

Gene: HUWE1 (HECT, UBA and WWE domain containing E3 ubiquitin protein ligase 1; minus strand). Cytogenetic location: Xp11.22.
Variant type: single nucleotide variant.
Coding change: c.645+1G>A on transcript NM_031407.7 (MANE Select); the canonical splice donor site of the intron after coding-DNA position 645, G replaced by A.
Molecular consequence: splice donor variant.
Genome position (GRCh38, 1-based): chrX:53,632,486, C>T on the plus strand (G>A on the coding strand, the complement: HUWE1 is on the minus strand). VCF-style: chrX-53632486-C-T. GRCh37 (hg19) VCF-style: chrX-53659438-C-T.
Identifiers: ClinVar variation 938243 (VCV000938243.8), dbSNP rs797045621, ClinGen allele CA413161432.

ClinVar aggregate classification (germline): Uncertain significance (1 of 4 stars; one submission).

Submission:

Labcorp Genetics (formerly Invitae), Labcorp
Classification: Uncertain significance. Last evaluated: 2019-06-03. Review status: criteria provided, single submitter. Criteria: Invitae Variant Classification Sherloc (09022015). Collection method: clinical testing. Allele origin: germline.
Comment: This sequence change affects a donor splice site in intron 9 of the HUWE1 gene. It is expected to disrupt RNA splicing and likely results in an absent or disrupted protein product. This variant is not present in population databases (ExAC no frequency). In summary, the available evidence is currently insufficient to determine the role of this variant in disease. Therefore, it has been classified as a Variant of Uncertain Significance. The current clinical and genetic evidence is not sufficient to establish whether loss-of-function variants in HUWE1 cause disease. Algorithms developed to predict the effect of sequence changes on RNA splicing suggest that this variant may disrupt the consensus splice site, but this prediction has not been confirmed by published transcriptional studies. This variant has not been reported in the literature in individuals with HUWE1-related conditions.